The following is an entry in ClinVar:

ClinVar aggregate classification (germline): Pathogenic (1 of 4 stars; one submission).

Conditions:
Pontocerebellar hypoplasia type 1A (PCH1A). Also called: PONTOCEREBELLAR HYPOPLASIA WITH ANTERIOR HORN CELL DISEASE; PONTOCEREBELLAR HYPOPLASIA WITH INFANTILE SPINAL MUSCULAR ATROPHY. Identifiers: Orphanet 2254, Orphanet 88616, MedGen C1843504, MONDO:0011866, OMIM 607596.

Submission:

Labcorp Genetics (formerly Invitae), Labcorp
Classification: Pathogenic for Pontocerebellar hypoplasia type 1A. Last evaluated: 2023-07-10. Review status: criteria provided, single submitter. Criteria: Invitae Variant Classification Sherloc (09022015). Collection method: clinical testing. Allele origin: germline.
Comment: This sequence change creates a premature translational stop signal (p.Arg11*) in the VRK1 gene. It is expected to result in an absent or disrupted protein product. Loss-of-function variants in VRK1 are known to be pathogenic (PMID: 19646678, 24126608, 27281532). This variant is not present in population databases (gnomAD no frequency). For these reasons, this variant has been classified as Pathogenic. This variant has not been reported in the literature in individuals affected with VRK1-related conditions.

Literature cited by the submitters: PubMed 19646678; PubMed 24126608; PubMed 27281532.

NM_003384.3(VRK1):c.31A>T (p.Arg11Ter)

Gene: VRK1 (VRK serine/threonine kinase 1; plus strand). Cytogenetic location: 14q32.2.
Variant type: single nucleotide variant.
Coding change: c.31A>T on transcript NM_003384.3 (MANE Select); coding-DNA position 31, A replaced by T.
Protein change: p.Arg11Ter; replaces arginine 11 with a stop codon.
Molecular consequence: nonsense.
Genome position (GRCh38, 1-based): chr14:96,833,502, A>T. VCF-style: chr14-96833502-A-T. GRCh37 (hg19) VCF-style: chr14-97299839-A-T.
Other names: c.31A>T, p.Arg11Ter (NM_001411051.1, NM_001411053.1); short protein forms R11*.
Identifiers: ClinVar variation 2724908 (VCV002724908.3), dbSNP rs868010710, ClinGen allele CA390930743.